The following is an entry in ClinVar:

ClinVar aggregate classification (germline): Uncertain significance (1 of 4 stars; one submission).

Submission:

GeneDx
Classification: Uncertain significance. Last evaluated: 2023-05-22. Review status: criteria provided, single submitter. Criteria: GeneDx Variant Classification Process June 2021. Collection method: clinical testing. Allele origin: germline. Affected: yes.
Comment: Not observed at significant frequency in large population cohorts (gnomAD); In silico analysis supports that this missense variant does not alter protein structure/function; Has not been previously published as pathogenic or benign to our knowledge

NM_007118.4(TRIO):c.7426A>T (p.Ser2476Cys)

Gene: TRIO (trio Rho guanine nucleotide exchange factor; plus strand). Cytogenetic location: 5p15.2.
Variant type: single nucleotide variant.
Coding change: c.7426A>T on transcript NM_007118.4 (MANE Select); coding-DNA position 7426, A replaced by T.
Protein change: p.Ser2476Cys; replaces serine 2476 with cysteine.
Molecular consequence: missense variant.
Genome position (GRCh38, 1-based): chr5:14,488,054, A>T. VCF-style: chr5-14488054-A-T. GRCh37 (hg19) VCF-style: chr5-14488163-A-T.
Other names: short protein forms S2476C.
Identifiers: ClinVar variation 3343838 (VCV003343838.1).
Genomic context (GRCh38, chr5:14,488,054, plus strand): 5'-CCGCTGAACTCGCCGCTCTCCAGCGCGGTCCCTTCTCTCGGCAAGGAGCCCTTCCCCCCC[A>T]GCAGCCCCCTGCAGAAGGGGGGCTCCTTCTGGAGCTCCATCCCCGCCTCCCCCGCCAGCC-3'
Protein context (NP_009049.2, residues 2466-2486): PSLGKEPFPP[Ser2476Cys]SPLQKGGSFW